The following is an entry in ClinVar:

ClinVar aggregate classification (germline): Uncertain significance. Review status: criteria provided, multiple submitters, no conflicts (2 of 4 stars). 3 submissions from 3 submitters: Uncertain significance (3). Last evaluated 2026-03-09.

Conditions:
Keratoderma-ichthyosis-deafness syndrome, autosomal recessive (KDIDAR). Identifiers: MedGen C5774200, MONDO:0859278, OMIM 620009.
Cholestasis, progressive familial intrahepatic, 12 (PFIC12). Also called: CHOLESTASIS, ISOLATED LOW-GGT. Identifiers: MedGen C5774311, MONDO:0031040, OMIM 620010.
Arthrogryposis, renal dysfunction, and cholestasis 1 (ARCS1). Identifiers: Orphanet 2697, MedGen C1859722, MONDO:0008822, OMIM 208085.

Allele frequency attached by ClinVar (database versions not stated): gnomAD 0.00001; gnomAD exomes 0.00003 and 0.00005; TOPMed 0.00003; ExAC 0.00004; ESP Exome Variant Server 0.00023.
gnomAD v4.1: 43 of 1,614,066 alleles (0.0027%); highest among the groups gnomAD compares: Non-Finnish European, 0.0033%; no homozygotes.

Submissions (3):

GeneDx
Classification: Uncertain significance. Last evaluated: 2026-03-09. Review status: criteria provided, single submitter. Criteria: GeneDx Variant Classification Process June 2021. Collection method: clinical testing. Allele origin: germline.
Comment: Not observed at significant frequency in large population cohorts (gnomAD); In silico analysis suggests that this missense variant does not alter protein structure/function; Has not been previously published as pathogenic or benign to our knowledge

Fulgent Genetics
Classification: Uncertain significance for Arthrogryposis, renal dysfunction, and cholestasis 1; Keratoderma-ichthyosis-deafness syndrome, autosomal recessive; Cholestasis, progressive familial intrahepatic, 12. Last evaluated: 2024-03-26. Review status: criteria provided, single submitter. Criteria: ACMG Guidelines, 2015. Collection method: clinical testing. Allele origin: germline.

Eurofins Ntd Llc (ga)
Classification: Uncertain significance. Last evaluated: 2018-02-12. Review status: criteria provided, single submitter. Criteria: EGL ClinVar v180209 classification definitions. Collection method: clinical testing. Allele origin: germline. Observed: 1 variant allele, 1 heterozygote.

NM_018668.5(VPS33B):c.874G>A (p.Glu292Lys)

Gene: VPS33B (VPS33B late endosome and lysosome associated; minus strand). Cytogenetic location: 15q26.1.
Variant type: single nucleotide variant.
Coding change: c.874G>A on transcript NM_018668.5 (MANE Select); coding-DNA position 874, G replaced by A.
Protein change: p.Glu292Lys; replaces glutamic acid 292 with lysine.
Molecular consequence: missense variant.
Genome position (GRCh38, 1-based): chr15:91,006,038, C>T on the plus strand (G>A on the coding strand, the complement: VPS33B is on the minus strand). VCF-style: chr15-91006038-C-T. GRCh37 (hg19) VCF-style: chr15-91549268-C-T.
Other names: c.793G>A, p.Glu265Lys (NM_001289148.1); c.601G>A, p.Glu201Lys (NM_001289149.1); c.874G>A (NM_018668.3); short protein forms E292K, E265K, E201K.
Identifiers: ClinVar variation 596099 (VCV000596099.7), dbSNP rs150252392, ClinGen allele CA7744876.